The following is an entry in ClinVar:

ClinVar aggregate classification (germline): Uncertain significance (1 of 4 stars; one submission).

Conditions:
Hereditary breast ovarian cancer syndrome. Also called: Hereditary breast and ovarian cancer syndrome (HBOC); Hereditary breast and ovarian cancer; Breast and ovarian cancer; Hereditary breast and/or ovarian cancer syndrome; BRCA1- and BRCA2-Associated Hereditary Breast and Ovarian Cancer; Hereditary breast and ovarian cancer syndrome. Identifiers: Orphanet 145, MedGen C0677776, MeSH D061325, MONDO:0003582. Disease mechanism: loss of function.

Submission:

Labcorp Genetics (formerly Invitae), Labcorp
Classification: Uncertain significance for Hereditary breast ovarian cancer syndrome. Last evaluated: 2025-04-30. Review status: criteria provided, single submitter. Criteria: Invitae Variant Classification Sherloc (09022015). Collection method: clinical testing. Allele origin: germline.
Comment: This sequence change replaces glutamic acid, which is acidic and polar, with valine, which is neutral and non-polar, at codon 2340 of the BRCA2 protein (p.Glu2340Val). This variant is not present in population databases (gnomAD no frequency). This variant has not been reported in the literature in individuals affected with BRCA2-related conditions. Invitae Evidence Modeling of protein sequence and biophysical properties (such as structural, functional, and spatial information, amino acid conservation, physicochemical variation, residue mobility, and thermodynamic stability) indicates that this missense variant is not expected to disrupt BRCA2 protein function with a negative predictive value of 95%. In summary, the available evidence is currently insufficient to determine the role of this variant in disease. Therefore, it has been classified as a Variant of Uncertain Significance.

NM_000059.4(BRCA2):c.7019A>T (p.Glu2340Val)

Gene: BRCA2 (BRCA2 DNA repair associated; plus strand). Cytogenetic location: 13q13.1.
Variant type: single nucleotide variant.
Coding change: c.7019A>T on transcript NM_000059.4 (MANE Select); coding-DNA position 7019, A replaced by T.
Protein change: p.Glu2340Val; replaces glutamic acid 2340 with valine.
Molecular consequence: missense variant. On other transcripts: non-coding transcript variant (1).
Genome position (GRCh38, 1-based): chr13:32,354,872, A>T. VCF-style: chr13-32354872-A-T. GRCh37 (hg19) VCF-style: chr13-32929009-A-T.
Other names: c.6923A>T, p.Glu2308Val (NM_001406719.1); c.7019A>T, p.Glu2340Val (NM_001406720.1, NM_001432077.1); c.2087A>T, p.Glu696Val (NM_001406721.1); c.602A>T, p.Glu201Val (NM_001406722.1); short protein forms E201V, E2308V, E2340V, E696V.
Identifiers: ClinVar variation 4802336 (VCV004802336.1).